The following is an entry in ClinVar:

NM_000257.4(MYH7):c.911C>A (p.Thr304Asn)

Gene: MYH7 (myosin heavy chain 7; minus strand). Cytogenetic location: 14q11.2.
Variant type: single nucleotide variant.
Coding change: c.911C>A on transcript NM_000257.4 (MANE Select); coding-DNA position 911, C replaced by A.
Protein change: p.Thr304Asn; replaces threonine 304 with asparagine.
Molecular consequence: missense variant.
Genome position (GRCh38, 1-based): chr14:23,430,648, G>T on the plus strand (C>A on the coding strand, the complement: MYH7 is on the minus strand). VCF-style: chr14-23430648-G-T. GRCh37 (hg19) VCF-style: chr14-23899857-G-T.
Other names: c.911C>A, p.Thr304Asn (NM_001407004.1); short protein forms T304N.
Identifiers: ClinVar variation 4801958 (VCV004801958.1).

ClinVar aggregate classification (germline): Uncertain significance (1 of 4 stars; one submission).

Conditions:
Hypertrophic cardiomyopathy. Also called: HYPERTROPHIC MYOCARDIOPATHY. Identifiers: Orphanet 217569, MedGen C0007194, MeSH D002312, MONDO:0005045, HP:0001639.

Submission:

Labcorp Genetics (formerly Invitae), Labcorp
Classification: Uncertain significance for Hypertrophic cardiomyopathy. Last evaluated: 2026-01-11. Review status: criteria provided, single submitter. Criteria: Invitae Variant Classification Sherloc (09022015). Collection method: clinical testing. Allele origin: germline.
Comment: This sequence change replaces threonine, which is neutral and polar, with asparagine, which is neutral and polar, at codon 304 of the MYH7 protein (p.Thr304Asn). This variant is not present in population databases (gnomAD no frequency). This variant has not been reported in the literature in individuals affected with MYH7-related conditions. Invitae Evidence Modeling of protein sequence and biophysical properties (such as structural, functional, and spatial information, amino acid conservation, physicochemical variation, residue mobility, and thermodynamic stability) indicates that this missense variant is expected to disrupt MYH7 protein function with a positive predictive value of 95%. In summary, the available evidence is currently insufficient to determine the role of this variant in disease. Therefore, it has been classified as a Variant of Uncertain Significance.